The following is an entry in ClinVar:

NM_000535.7(PMS2):c.2417T>C (p.Met806Thr)

Gene: PMS2 (PMS1 homolog 2, mismatch repair system component; minus strand). Cytogenetic location: 7p22.1.
Variant type: single nucleotide variant.
Coding change: c.2417T>C on transcript NM_000535.7 (MANE Select); coding-DNA position 2417, T replaced by C.
Protein change: p.Met806Thr; replaces methionine 806 with threonine.
Molecular consequence: missense variant. On other transcripts: non-coding transcript variant (1).
Genome position (GRCh38, 1-based): chr7:5,977,616, A>G on the plus strand (T>C on the coding strand, the complement: PMS2 is on the minus strand). VCF-style: chr7-5977616-A-G. GRCh37 (hg19) VCF-style: chr7-6017247-A-G.
Other names: c.2012T>C, p.Met671Thr (NM_001322003.2, NM_001322004.2, NM_001322005.2); c.2261T>C, p.Met754Thr (NM_001322006.2); c.2099T>C, p.Met700Thr (NM_001322007.2, NM_001322008.2); c.2045T>C, p.Met682Thr (NM_001322009.2); c.1856T>C, p.Met619Thr (NM_001322010.2); c.1484T>C, p.Met495Thr (NM_001322011.2, NM_001322012.2); c.1844T>C, p.Met615Thr (NM_001322013.2); c.2450T>C, p.Met817Thr (NM_001322014.2); and 1 more; short protein forms M700T, M703T, M806T, M817T, M495T, M671T, M682T, M754T.
Identifiers: ClinVar variation 846090 (VCV000846090.9), dbSNP rs1781820682, ClinGen allele CA366735627.
Genomic context (GRCh38, chr7:5,977,616, plus strand): 5'-GCTGAGCTGACAGCCAGGCTTTCTTTACTTACCGACTTCCGGCAGGCTCTGGAGGCAAAC[A>G]TCTGCTTGACTCGGGAAGGCCGGCACATGACCCCAGGGCTGTCGCTCAGCATGAAGATCA-3'
Protein context (NP_000526.2, residues 796-816): VMCRPSRVKQ[Met806Thr]FASRACRKSV

ClinVar aggregate classification (germline): Uncertain significance (1 of 4 stars; one submission).

Conditions:
Hereditary nonpolyposis colorectal neoplasms. Identifiers: MedGen C0009405, MeSH D003123.

Submission:

Labcorp Genetics (formerly Invitae), Labcorp
Classification: Uncertain significance for Hereditary nonpolyposis colorectal neoplasms. Last evaluated: 2019-05-12. Review status: criteria provided, single submitter. Criteria: Invitae Variant Classification Sherloc (09022015). Collection method: clinical testing. Allele origin: germline.
Comment: This sequence change replaces methionine with threonine at codon 806 of the PMS2 protein (p.Met806Thr). The methionine residue is highly conserved and there is a moderate physicochemical difference between methionine and threonine. The frequency data for this variant in the population databases (ExAC) is considered unreliable due to the presence of homologous sequence, such as pseudogenes or paralogs, in the genome. This variant has not been reported in the literature in individuals with PMS2-related conditions. Algorithms developed to predict the effect of missense changes on protein structure and function (SIFT, PolyPhen-2, Align-GVGD) all suggest that this variant is likely to be disruptive, but these predictions have not been confirmed by published functional studies and their clinical significance is uncertain. In summary, the available evidence is currently insufficient to determine the role of this variant in disease. Therefore, it has been classified as a Variant of Uncertain Significance.